The following is an entry in ClinVar:

NM_000222.3(KIT):c.2093C>G (p.Ala698Gly)

Gene: KIT (KIT proto-oncogene, receptor tyrosine kinase; plus strand). Cytogenetic location: 4q12.
Variant type: single nucleotide variant.
Coding change: c.2093C>G on transcript NM_000222.3 (MANE Select); coding-DNA position 2093, C replaced by G.
Protein change: p.Ala698Gly; replaces alanine 698 with glycine.
Molecular consequence: missense variant.
Genome position (GRCh38, 1-based): chr4:54,729,437, C>G. VCF-style: chr4-54729437-C-G. GRCh37 (hg19) VCF-style: chr4-55595603-C-G.
Other names: c.2081C>G, p.Ala694Gly (NM_001093772.2, NM_001385286.1); c.2096C>G, p.Ala699Gly (NM_001385284.1, NM_001385290.1); c.2093C>G, p.Ala698Gly (NM_001385285.1); c.2084C>G, p.Ala695Gly (NM_001385288.1, NM_001385292.1); short protein forms A698G, A694G, A695G, A699G.
Identifiers: ClinVar variation 409790 (VCV000409790.12), dbSNP rs780329057, ClinGen allele CA2923644.

ClinVar aggregate classification (germline): Conflicting classifications of pathogenicity. Review status: criteria provided, conflicting classifications (1 of 4 stars). 3 submissions from 3 submitters: Uncertain significance (2); Likely benign (1). Last evaluated 2025-05-26.

Conditions:
Gastrointestinal stromal tumor. Also called: Gastrointestinal stroma tumor; Gastrointestinal stromal tumor, somatic. Identifiers: Orphanet 44890, MedGen C0238198, MeSH D046152, MONDO:0011719, OMIM 606764, HP:0100723.
Hereditary cancer-predisposing syndrome. Also called: Neoplastic Syndromes, Hereditary; Hereditary Cancer Syndrome; Hereditary neoplastic syndrome; Tumor predisposition. Identifiers: Orphanet 140162, MedGen C0027672, MeSH D009386, MONDO:0015356.

Allele frequency attached by ClinVar (database versions not stated): ExAC 0.00001.
gnomAD v4.1: 6 of 1,613,692 alleles (0.00037%); highest among the groups gnomAD compares: Non-Finnish European, 0.000085%; no homozygotes.

Submissions (3):

Dasa
Classification: Uncertain significance. Last evaluated: 2025-05-26. Review status: criteria provided, single submitter. Criteria: DASA Assertion Criteria. Collection method: clinical testing. Allele origin: germline.
Comment: NM_000222.3(KIT):c.2093C>G (p.Ala698Gly) is a missense variant that results in the substitution of alanine with glycine. This variant is rare in population databases. Computational prediction algorithms are consistent with a benign effect. The currently available literature and clinical evidence are not sufficient to establish a definitive association between this variant and the reported condition. Therefore, this variant is classified as a variant of uncertain significance.

Ambry Genetics
Classification: Likely benign for Hereditary cancer-predisposing syndrome. Last evaluated: 2025-02-04. Review status: criteria provided, single submitter. Criteria: Ambry Variant Classification Scheme 2023. Collection method: clinical testing. Allele origin: germline.

Labcorp Genetics (formerly Invitae), Labcorp
Classification: Uncertain significance for Gastrointestinal stromal tumor. Last evaluated: 2024-09-14. Review status: criteria provided, single submitter. Criteria: Invitae Variant Classification Sherloc (09022015). Collection method: clinical testing. Allele origin: germline.
Comment: This sequence change replaces alanine, which is neutral and non-polar, with glycine, which is neutral and non-polar, at codon 698 of the KIT protein (p.Ala698Gly). This variant is present in population databases (rs780329057, gnomAD 0.04%). This variant has not been reported in the literature in individuals affected with KIT-related conditions. ClinVar contains an entry for this variant (Variation ID: 409790). An algorithm developed to predict the effect of missense changes on protein structure and function outputs the following: PolyPhen-2: "Benign". The glycine amino acid residue is found in multiple mammalian species, which suggests that this missense change does not adversely affect protein function. In summary, the available evidence is currently insufficient to determine the role of this variant in disease. Therefore, it has been classified as a Variant of Uncertain Significance.